The following is an entry in ClinVar:

NM_198576.4(AGRN):c.5009C>T (p.Ala1670Val)

Gene: AGRN (agrin; plus strand). Cytogenetic location: 1p36.33.
Variant type: single nucleotide variant.
Coding change: c.5009C>T on transcript NM_198576.4 (MANE Select); coding-DNA position 5009, C replaced by T.
Protein change: p.Ala1670Val; replaces alanine 1670 with valine.
Molecular consequence: missense variant.
Genome position (GRCh38, 1-based): chr1:1,050,459, C>T. VCF-style: chr1-1050459-C-T. GRCh37 (hg19) VCF-style: chr1-985839-C-T.
Other names: c.5009C>T, p.Ala1670Val (NM_001305275.2); c.4694C>T, p.Ala1565Val (NM_001364727.2); short protein forms A1565V, A1670V.
Identifiers: ClinVar variation 1928076 (VCV001928076.5), dbSNP rs1228847908, ClinGen allele CA337779916.

ClinVar aggregate classification (germline): Uncertain significance (1 of 4 stars; one submission).

Conditions:
Congenital myasthenic syndrome 8. Also called: MYASTHENIC SYNDROME, CONGENITAL, DUE TO AGRIN DEFICIENCY; Myasthenic syndrome, congenital, 8, with pre- and postsynaptic defects. Identifiers: Orphanet 590, MedGen C3808739, MONDO:0014052, OMIM 615120.

Allele frequency attached by ClinVar (database versions not stated): gnomAD exomes below 0.00001.
gnomAD v4.1: 2 of 1,612,920 alleles (0.00012%); highest among the groups gnomAD compares: East Asian, 0.0045%; no homozygotes.

Submission:

Labcorp Genetics (formerly Invitae), Labcorp
Classification: Uncertain significance for Congenital myasthenic syndrome 8. Last evaluated: 2023-08-04. Review status: criteria provided, single submitter. Criteria: Invitae Variant Classification Sherloc (09022015). Collection method: clinical testing. Allele origin: germline.
Comment: In summary, the available evidence is currently insufficient to determine the role of this variant in disease. Therefore, it has been classified as a Variant of Uncertain Significance. An algorithm developed to predict the effect of missense changes on protein structure and function (PolyPhen-2) suggests that this variant is likely to be disruptive. ClinVar contains an entry for this variant (Variation ID: 1928076). This missense change has been observed in individual(s) with clinical features of congenital myasthenic syndrome (PMID: 32221959, 33756069). This variant is present in population databases (no rsID available, gnomAD 0.006%). This sequence change replaces alanine, which is neutral and non-polar, with valine, which is neutral and non-polar, at codon 1670 of the AGRN protein (p.Ala1670Val).

Literature cited by the submitters: PubMed 32221959; PubMed 33756069.